The following is an entry in ClinVar:

NM_001384732.1(CPLANE1):c.765A>C (p.Gly255=)

Gene: CPLANE1 (ciliogenesis and planar polarity effector complex subunit 1; minus strand). Cytogenetic location: 5p13.2.
Variant type: single nucleotide variant.
Coding change: c.765A>C on transcript NM_001384732.1 (MANE Select); coding-DNA position 765, A replaced by C.
Protein change: p.Gly255=; no amino-acid change (glycine 255 retained).
Molecular consequence: synonymous variant.
Genome position (GRCh38, 1-based): chr5:37,239,782, T>G on the plus strand (A>C on the coding strand, the complement: CPLANE1 is on the minus strand). VCF-style: chr5-37239782-T-G. GRCh37 (hg19) VCF-style: chr5-37239884-T-G.
Other names: c.765A>C, p.Gly255= (NM_023073.4).
Identifiers: ClinVar variation 158051 (VCV000158051.22), dbSNP rs117995360, ClinGen allele CA171459.

ClinVar aggregate classification (germline): Benign/Likely benign. Review status: criteria provided, multiple submitters, no conflicts (2 of 4 stars). 7 submissions from 7 submitters: Benign (5); Likely benign (1). 1 of the submissions does not count toward it. Last evaluated 2026-02-04.

Conditions:
Joubert syndrome 17 (JBTS17). Identifiers: Orphanet 475, MedGen C3553264, MONDO:0013824, OMIM 614615.

Allele frequency attached by ClinVar (database versions not stated): ESP Exome Variant Server 0.00022; gnomAD exomes 0.00169 and 0.00589; gnomAD 0.00189 and 0.00257; ExAC 0.00230; TOPMed 0.00335; 1000 Genomes Project 30x 0.01296; 1000 Genomes Project 0.01358.
gnomAD v4.1: 2,882 of 1,546,270 alleles (0.19%); highest among the groups gnomAD compares: East Asian, 6.2%; 81 homozygotes.

Submissions (7):

Labcorp Genetics (formerly Invitae), Labcorp
Classification: Benign. Last evaluated: 2026-02-04. Review status: criteria provided, single submitter. Criteria: Invitae Variant Classification Sherloc (09022015). Collection method: clinical testing. Allele origin: germline.

Blueprint Genetics
Classification: Likely benign. Last evaluated: 2024-11-22. Review status: criteria provided, single submitter. Criteria: ACMG Guidelines, 2015. Collection method: clinical testing. Allele origin: germline.

Illumina Laboratory Services, Illumina
Classification: Benign for Joubert syndrome 17. Last evaluated: 2018-01-12. Review status: criteria provided, single submitter. Criteria: ICSL Variant Classification Criteria 13 December 2019. Collection method: clinical testing. Allele origin: germline.
Comment: This variant was observed in the ICSL laboratory as part of a predisposition screen in an ostensibly healthy population. It had not been previously curated by ICSL or reported in the Human Gene Mutation Database (HGMD: prior to June 1st, 2018), and was therefore a candidate for classification through an automated scoring system. Utilizing variant allele frequency, disease prevalence and penetrance estimates, and inheritance mode, an automated score was calculated to assess if this variant is too frequent to cause the disease. Based on the score and internal cut-off values, a variant classified as benign is not then subjected to further curation. The score for this variant resulted in a classification of benign for this disease.

GeneDx
Classification: Benign. Last evaluated: 2017-06-28. Review status: criteria provided, single submitter. Criteria: GeneDx Variant Classification (06012015). Collection method: clinical testing. Allele origin: germline. Affected: yes.
Comment: This variant is considered likely benign or benign based on one or more of the following criteria: it is a conservative change, it occurs at a poorly conserved position in the protein, it is predicted to be benign by multiple in silico algorithms, and/or has population frequency not consistent with disease.

Breakthrough Genomics
Classification: Benign. Review status: criteria provided, single submitter. Criteria: ACMG Guidelines, 2015. Collection method: not provided. Allele origin: germline. Inheritance: Autosomal recessive inheritance. Affected: yes.

PreventionGenetics, part of Exact Sciences
Classification: Benign. Review status: criteria provided, single submitter. Criteria: ACMG Guidelines, 2015. Collection method: clinical testing. Allele origin: germline.

Genetic Services Laboratory, University of Chicago
Classification: Likely benign. Review status: no assertion criteria provided. Collection method: clinical testing. Allele origin: germline. Inheritance: Autosomal recessive inheritance. Not counted in ClinVar's aggregate classification.
Comment: Likely benign based on allele frequency in 1000 Genomes Project or ESP global frequency and its presence in a patient with a rare or unrelated disease phenotype. NOT Sanger confirmed